The following is an entry in ClinVar:

ClinVar aggregate classification (germline): Pathogenic (1 of 4 stars; one submission).

Conditions:
Hereditary cancer-predisposing syndrome. Also called: Neoplastic Syndromes, Hereditary; Tumor predisposition; Hereditary neoplastic syndrome; Hereditary Cancer Syndrome. Identifiers: Orphanet 140162, MedGen C0027672, MeSH D009386, MONDO:0015356.

Submission:

Ambry Genetics
Classification: Pathogenic for Hereditary cancer-predisposing syndrome. Last evaluated: 2024-01-30. Review status: criteria provided, single submitter. Criteria: Ambry Variant Classification Scheme 2023. Collection method: clinical testing. Allele origin: germline.
Comment: The c.1205delC pathogenic mutation, located in coding exon 4 of the BARD1 gene, results from a deletion of one nucleotide at nucleotide position 1205, causing a translational frameshift with a predicted alternate stop codon (p.S402*). This alteration is expected to result in loss of function by premature protein truncation or nonsense-mediated mRNA decay. This variant is considered to be rare based on population cohorts in the Genome Aggregation Database (gnomAD). As such, this alteration is interpreted as a disease-causing mutation.

NM_000465.4(BARD1):c.1205del (p.Ser401_Ser402insTer)

Gene: BARD1 (BRCA1 associated RING domain 1; minus strand). Cytogenetic location: 2q35.
Variant type: Deletion.
Coding change: c.1205del on transcript NM_000465.4 (MANE Select); coding-DNA position 1205, one base deleted (C; older notation c.1205delC).
Protein change: p.Ser401_Ser402insTer.
Molecular consequence: nonsense. On other transcripts: non-coding transcript variant (2), intron variant (3).
Genome position (GRCh38, 1-based): chr2:214,780,669, G deleted on the plus strand (C on the coding strand, the reverse complement: BARD1 is on the minus strand). VCF-style (leftmost placement, unchanged base first): chr2-214780668-TG-T. GRCh37 (hg19) VCF-style: chr2-215645392-TG-T.
Other names: c.1148del, p.Ser382_Ser383insTer (NM_001282543.2); c.159-28114del (NM_001282548.2); c.215+16392del (NM_001282545.2); c.364+11628del (NM_001282549.2).
Identifiers: ClinVar variation 3231761 (VCV003231761.1), dbSNP rs2469502068, ClinGen allele CA2825001075.